The following is an entry in ClinVar:

ClinVar aggregate classification (germline): Uncertain significance (1 of 4 stars; one submission).

Submission:

Labcorp Genetics (formerly Invitae), Labcorp
Classification: Uncertain significance. Last evaluated: 2022-05-24. Review status: criteria provided, single submitter. Criteria: Invitae Variant Classification Sherloc (09022015). Collection method: clinical testing. Allele origin: germline.
Comment: This variant is not present in population databases (gnomAD no frequency). This sequence change replaces arginine, which is basic and polar, with glycine, which is neutral and non-polar, at codon 52 of the TIMM50 protein (p.Arg52Gly). In summary, the available evidence is currently insufficient to determine the role of this variant in disease. Therefore, it has been classified as a Variant of Uncertain Significance. Algorithms developed to predict the effect of missense changes on protein structure and function are either unavailable or do not agree on the potential impact of this missense change (SIFT: "Not Available"; PolyPhen-2: "Benign"; Align-GVGD: "Not Available"). This variant has not been reported in the literature in individuals affected with TIMM50-related conditions.

NC_000019.10:g.39480698A>G

Gene: TIMM50 (translocase of inner mitochondrial membrane 50; plus strand). Cytogenetic location: 19q13.2.
Variant type: single nucleotide variant.
Genome position: GRCh38 VCF-style: chr19-39480698-A-G. GRCh37 (hg19) VCF-style: chr19-39971338-A-G.
Identifiers: ClinVar variation 1998335 (VCV001998335.4), dbSNP rs758257543, ClinGen allele CA405785478.